The following is an entry in ClinVar:

NM_004176.5(SREBF1):c.332C>T (p.Pro111Leu)

Gene: SREBF1 (sterol regulatory element binding transcription factor 1; minus strand). Cytogenetic location: 17p11.2.
Variant type: single nucleotide variant.
Coding change: c.332C>T on transcript NM_004176.5 (MANE Select); coding-DNA position 332, C replaced by T.
Protein change: p.Pro111Leu; replaces proline 111 with leucine.
Molecular consequence: missense variant. On other transcripts: non-coding transcript variant (4), intron variant (1).
Genome position (GRCh38, 1-based): chr17:17,820,281, G>A on the plus strand (C>T on the coding strand, the complement: SREBF1 is on the minus strand). VCF-style: chr17-17820281-G-A. GRCh37 (hg19) VCF-style: chr17-17723595-G-A.
Other names: c.422C>T, p.Pro141Leu (NM_001005291.3); c.260C>T, p.Pro87Leu (NM_001321096.3); c.332C>T, p.Pro111Leu (NM_001388385.1, NM_001388386.1, NM_001388387.1 and 6 more transcripts); c.92-556C>T (NM_001388394.1); c.332C>T (NM_004176.4); short protein forms P111L, P141L, P87L.
Identifiers: ClinVar variation 1686337 (VCV001686337.11), dbSNP rs115855236, ClinGen allele CA8420332.
Genomic context (GRCh38, chr17:17,820,281, plus strand): 5'-ATGCTCAGTGGCACTGACTCTTCCTTGATACCAGGCCCAGGGGAGAAAGCGGGCATGGAC[G>A]GGTACATCTTCAATGGAGTGGGTGCAGGCTGGGGAGGGGACAGGGGTGAGGGCGCTGCCT-3'
Protein context (NP_004167.3, residues 101-121): QPAPTPLKMY[Pro111Leu]SMPAFSPGPG

ClinVar aggregate classification (germline): Conflicting classifications of pathogenicity. Review status: criteria provided, conflicting classifications (1 of 4 stars). 4 submissions from 4 submitters: Uncertain significance (1); Benign (2); Likely benign (1). Last evaluated 2026-09-01.

Allele frequency attached by ClinVar (database versions not stated): 1000 Genomes Project 30x 0.00047; 1000 Genomes Project 0.00060; TOPMed 0.00077; gnomAD exomes 0.00079 and 0.00090; ESP Exome Variant Server 0.00069; gnomAD 0.00070; ExAC 0.00072.
gnomAD v4.1: 1,421 of 1,613,894 alleles (0.088%); highest among the groups gnomAD compares: Non-Finnish European, 0.11%; 1 homozygote.

Submissions (4):

CeGaT Center for Human Genetics Tuebingen
Classification: Likely benign. Last evaluated: 2026-09-01. Review status: criteria provided, single submitter. Criteria: CeGaT Center For Human Genetics Tuebingen Variant Classification Criteria Version 2. Collection method: clinical testing. Allele origin: germline. Affected: yes. Observed: 2 variant alleles.
Comment: SREBF1: BP4

GeneDx
Classification: Uncertain significance. Last evaluated: 2024-07-16. Review status: criteria provided, single submitter. Criteria: GeneDx Variant Classification Process June 2021. Collection method: clinical testing. Allele origin: germline. Affected: yes.
Comment: Published functional studies suggest a damaging effect as in vitro experiments show that p.(P111L) significantly affects insulin-mediated SREBF1 phosphorylation, and the transcription and expression of genes involved in lipid metabolism (PMID: 21645898); In silico analysis supports that this missense variant has a deleterious effect on protein structure/function; Identified in a family with severe combined hypolipidemia, but it is unknown whether the family members were tested for variants in other genes associated with hypolipidemia (PMID: 21645898); This variant is associated with the following publications: (PMID: 34426522, 34829957, 21645898)

Mendelics
Classification: Benign. Last evaluated: 2022-05-04. Review status: criteria provided, single submitter. Criteria: Mendelics Assertion Criteria 2019. Collection method: clinical testing. Allele origin: germline.

Breakthrough Genomics
Classification: Benign. Review status: criteria provided, single submitter. Criteria: ACMG Guidelines, 2015. Collection method: not provided. Allele origin: germline. Inheritance: Autosomal dominant inheritance. Affected: yes.